The following is an entry in ClinVar:

NM_014865.4(NCAPD2):c.1150_1151del (p.Val384fs)

Gene: NCAPD2 (non-SMC condensin I complex subunit D2; plus strand). Cytogenetic location: 12p13.31.
Variant type: Microsatellite.
Coding change: c.1150_1151del on transcript NM_014865.4 (MANE Select); coding-DNA positions 1150 to 1151, 2 bases deleted (GT; older notation c.1150_1151delGT).
Protein change: p.Val384fs; shifts the reading frame from valine 384.
Molecular consequence: frameshift variant.
Genome position (GRCh38, 1-based): chr12:6,516,990-6,516,991, GT deleted; deleting any 2 consecutive bases within chr12:6,516,988-6,516,991 gives the same sequence; the c. name uses the placement nearest the transcript's 3' end. VCF-style (leftmost placement, unchanged base first): chr12-6516987-CGT-C. GRCh37 (hg19) VCF-style: chr12-6626153-CGT-C.
Other names: short protein forms V384fs.
Identifiers: ClinVar variation 2663273 (VCV002663273.1), dbSNP rs768454744, ClinGen allele CA6408313.

ClinVar aggregate classification (germline): Likely pathogenic (1 of 4 stars; one submission).

Submission:

GeneDx
Classification: Likely pathogenic. Last evaluated: 2023-10-18. Review status: criteria provided, single submitter. Criteria: GeneDx Variant Classification Process June 2021. Collection method: clinical testing. Allele origin: germline. Affected: yes.
Comment: Frameshift variant predicted to result in protein truncation or nonsense mediated decay in a gene for which loss-of-function is a known mechanism of disease; Not observed at significant frequency in large population cohorts (gnomAD); Has not been previously published as pathogenic or benign to our knowledge